The following is an entry in ClinVar:

NM_001365536.1(SCN9A):c.1567C>T (p.Arg523Ter)

Genes: SCN1A-AS1 (SCN1A and SCN9A antisense RNA 1; plus strand), SCN9A (sodium voltage-gated channel alpha subunit 9; minus strand). Cytogenetic location: 2q24.3.
Variant type: single nucleotide variant.
Coding change: c.1567C>T on transcript NM_001365536.1 (MANE Select); coding-DNA position 1567, C replaced by T.
Protein change: p.Arg523Ter; replaces arginine 523 with a stop codon.
Molecular consequence: nonsense.
Genome position (GRCh38, 1-based): chr2:166,286,371, G>A on the plus strand (C>T on the coding strand, the complement: SCN9A is on the minus strand). VCF-style: chr2-166286371-G-A. GRCh37 (hg19) VCF-style: chr2-167142881-G-A.
Other names: c.1567C>T, p.Arg523Ter (NM_002977.4); short protein forms R523*.
Identifiers: ClinVar variation 843626 (VCV000843626.19), dbSNP rs202211795, ClinGen allele CA349084307.

ClinVar aggregate classification (germline): Pathogenic. Review status: criteria provided, multiple submitters, no conflicts (2 of 4 stars). 4 submissions from 4 submitters: Pathogenic (4). Last evaluated 2026-01-25.

Conditions:
Generalized epilepsy with febrile seizures plus, type 7 (GEFSP7). Also called: GEFS+, TYPE 7. Identifiers: Orphanet 36387, MedGen C2751778, MONDO:0013470, OMIM 613863.
Neuropathy, hereditary sensory and autonomic, type 2A (HSAN2A). Also called: HSAN IIA; WNK1-Related HSAN2 (HSAN2A); MORVAN DISEASE; NEUROPATHY, CONGENITAL SENSORY; NEUROPATHY, HEREDITARY SENSORY RADICULAR, AUTOSOMAL RECESSIVE; NEUROPATHY, HEREDITARY SENSORY, TYPE IIA. Identifiers: Orphanet 970, MedGen C2752089, MONDO:0024309, OMIM 201300.
Channelopathy-associated congenital insensitivity to pain, autosomal recessive. Also called: CONGENITAL ANALGESIA, AUTOSOMAL RECESSIVE; ASYMBOLIA FOR PAIN; Insensitivity to pain, channelopathy-associated. Identifiers: Orphanet 88642, Orphanet 970, MedGen C1855739, MONDO:0009459, OMIM 243000.

Allele frequency attached by ClinVar (database versions not stated): gnomAD 0.00002; TOPMed 0.00002.
gnomAD v4.1: 66 of 1,613,038 alleles (0.0041%); highest among the groups gnomAD compares: Non-Finnish European, 0.0054%; no homozygotes.

Submissions (4):

Labcorp Genetics (formerly Invitae), Labcorp
Classification: Pathogenic for Neuropathy, hereditary sensory and autonomic, type 2A; Generalized epilepsy with febrile seizures plus, type 7. Last evaluated: 2026-01-25. Review status: criteria provided, single submitter. Criteria: Invitae Variant Classification Sherloc (09022015). Collection method: clinical testing. Allele origin: germline.
Comment: This sequence change creates a premature translational stop signal (p.Arg523*) in the SCN9A gene. It is expected to result in an absent or disrupted protein product. Loss-of-function variants in SCN9A are known to be pathogenic (PMID: 17470132, 19304393). This variant is present in population databases (no rsID available, gnomAD 0.003%). This premature translational stop signal has been observed in individual(s) with autosomal recessive congenital insensitivity to pain (PMID: 20628234, 23129781). In at least one individual the data is consistent with being in trans (on the opposite chromosome) from a pathogenic variant. It has also been observed to segregate with disease in related individuals. ClinVar contains an entry for this variant (Variation ID: 843626). Algorithms developed to predict the effect of sequence changes on RNA splicing suggest that this variant may disrupt the consensus splice site. For these reasons, this variant has been classified as Pathogenic.

GeneDx
Classification: Pathogenic. Last evaluated: 2025-01-30. Review status: criteria provided, single submitter. Criteria: GeneDx Variant Classification Process June 2021. Collection method: clinical testing. Allele origin: germline. Affected: yes.
Comment: Nonsense variant predicted to result in protein truncation or nonsense mediated decay in a gene for which loss of function is a known mechanism of disease; Not observed at significant frequency in large population cohorts (gnomAD); This variant is associated with the following publications: (PMID: 25525159, 30672368, 27916648, 25439579, 32601768, 17470132, 19304393, 38394191, 28991257, 37231219, 25309764, 20628234, 23129781)

Genomic Medicine Center of Excellence, King Faisal Specialist Hospital and Research Centre
Classification: Pathogenic for Channelopathy-associated congenital insensitivity to pain, autosomal recessive. Last evaluated: 2024-12-18. Review status: criteria provided, single submitter. Criteria: ACMG Guidelines, 2015. Collection method: clinical testing. Allele origin: germline.

Mayo Clinic Laboratories, Mayo Clinic
Classification: Pathogenic. Last evaluated: 2023-05-04. Review status: criteria provided, single submitter. Criteria: ACMG Guidelines, 2015. Collection method: clinical testing. Allele origin: germline. Observed: 2 variant alleles.
Comment: PVS1, PM2, PM3, PP1

Literature cited by the submitters: PubMed 17470132 (cited by Labcorp Genetics (formerly Invitae), Labcorp); PubMed 19304393 (cited by Labcorp Genetics (formerly Invitae), Labcorp); PubMed 20628234 (cited by Labcorp Genetics (formerly Invitae), Labcorp); PubMed 23129781 (cited by Labcorp Genetics (formerly Invitae), Labcorp).